The following is an entry in ClinVar:

ClinVar aggregate classification (germline): Uncertain significance. Review status: criteria provided, multiple submitters, no conflicts (2 of 4 stars). 5 submissions from 5 submitters: Uncertain significance (4). 1 of the submissions does not count toward it. Last evaluated 2025-10-08.

Conditions:
Autosomal recessive limb-girdle muscular dystrophy type 2A (LGMDR1). Also called: LEYDEN-MOEBIUS MUSCULAR DYSTROPHY; MUSCULAR DYSTROPHY, PELVOFEMORAL; Limb-girdle muscular dystrophy, type 2A; Calpainopathy; Muscular dystrophy, limb-girdle, type 2A, Amish. Identifiers: Orphanet 267, MedGen C1869123, MONDO:0009675, OMIM 253600. Disease mechanism: loss of function.

Allele frequency attached by ClinVar (database versions not stated): gnomAD exomes 0.00001 and 0.00005; ExAC 0.00006; gnomAD 0.00024 and 0.00021; ESP Exome Variant Server 0.00023; TOPMed 0.00031.
gnomAD v4.1: 51 of 1,613,932 alleles (0.0032%); highest among the groups gnomAD compares: African/African-American, 0.063%; no homozygotes.

Submissions (5):

Labcorp Genetics (formerly Invitae), Labcorp
Classification: Uncertain significance for Autosomal recessive limb-girdle muscular dystrophy type 2A. Last evaluated: 2025-10-08. Review status: criteria provided, single submitter. Criteria: Invitae Variant Classification Sherloc (09022015). Collection method: clinical testing. Allele origin: germline.
Comment: This sequence change replaces arginine, which is basic and polar, with lysine, which is basic and polar, at codon 242 of the CAPN3 protein (p.Arg242Lys). This variant is present in population databases (rs146253209, gnomAD 0.09%). This variant has not been reported in the literature in individuals affected with CAPN3-related conditions. ClinVar contains an entry for this variant (Variation ID: 290267). Invitae Evidence Modeling of protein sequence and biophysical properties (such as structural, functional, and spatial information, amino acid conservation, physicochemical variation, residue mobility, and thermodynamic stability) indicates that this missense variant is not expected to disrupt CAPN3 protein function with a negative predictive value of 80%. In summary, the available evidence is currently insufficient to determine the role of this variant in disease. Therefore, it has been classified as a Variant of Uncertain Significance.

Revvity Omics, Revvity
Classification: Uncertain significance. Last evaluated: 2023-11-07. Review status: criteria provided, single submitter. Criteria: ACMG Guidelines, 2015. Collection method: clinical testing. Allele origin: germline.

GeneDx
Classification: Uncertain significance. Last evaluated: 2019-05-01. Review status: criteria provided, single submitter. Criteria: GeneDx Variant Classification Process June 2021. Collection method: clinical testing. Allele origin: germline. Affected: yes.
Comment: Has not been previously published as pathogenic or benign to our knowledge; In silico analysis, which includes protein predictors and evolutionary conservation, supports that this variant does not alter protein structure/function; This variant is associated with the following publications: (PMID: 30564623)

Eurofins Ntd Llc (ga)
Classification: Uncertain significance. Last evaluated: 2017-12-07. Review status: criteria provided, single submitter. Criteria: EGL Classification Definitions 2015. Collection method: clinical testing. Allele origin: germline. Observed: 2 variant alleles, 2 heterozygotes.

Natera, Inc.
Classification: Uncertain significance for Limb-girdle muscular dystrophy type 2A. Last evaluated: 2019-10-28. Review status: no assertion criteria provided. Collection method: clinical testing. Allele origin: germline. Not counted in ClinVar's aggregate classification.

NM_000070.3(CAPN3):c.725G>A (p.Arg242Lys)

Gene: CAPN3 (calpain 3; plus strand). Cytogenetic location: 15q15.1.
Variant type: single nucleotide variant.
Coding change: c.725G>A on transcript NM_000070.3 (MANE Select); coding-DNA position 725, G replaced by A.
Protein change: p.Arg242Lys; replaces arginine 242 with lysine.
Molecular consequence: missense variant.
Genome position (GRCh38, 1-based): chr15:42,389,020, G>A. VCF-style: chr15-42389020-G-A. GRCh37 (hg19) VCF-style: chr15-42681218-G-A.
Other names: c.725G>A, p.Arg242Lys (NM_024344.2, NM_173087.2); short protein forms R242K.
Identifiers: ClinVar variation 290267 (VCV000290267.15), dbSNP rs146253209, ClinGen allele CA7511098.